The following is an entry in ClinVar:

NM_004415.4(DSP):c.4793T>A (p.Leu1598Gln)

Gene: DSP (desmoplakin; plus strand). Cytogenetic location: 6p24.3.
Variant type: single nucleotide variant.
Coding change: c.4793T>A on transcript NM_004415.4 (MANE Select); coding-DNA position 4793, T replaced by A.
Protein change: p.Leu1598Gln; replaces leucine 1598 with glutamine.
Molecular consequence: missense variant. On other transcripts: intron variant (2).
Genome position (GRCh38, 1-based): chr6:7,580,983, T>A. VCF-style: chr6-7580983-T-A. GRCh37 (hg19) VCF-style: chr6-7581216-T-A.
Other names: c.4050+743T>A (NM_001319034.2); c.3582+1211T>A (NM_001008844.3); short protein forms L1598Q.
Identifiers: ClinVar variation 954059 (VCV000954059.13), dbSNP rs369449858, ClinGen allele CA042909.

ClinVar aggregate classification (germline): Conflicting classifications of pathogenicity. Review status: criteria provided, conflicting classifications (1 of 4 stars). 3 submissions from 3 submitters: Uncertain significance (2); Likely benign (1). Last evaluated 2025-11-16.

Conditions:
Arrhythmogenic cardiomyopathy with wooly hair and keratoderma. Also called: Carvajal syndrome; PALMOPLANTAR KERATODERMA WITH LEFT VENTRICULAR CARDIOMYOPATHY AND WOOLLY HAIR; Dilated cardiomyopathy with woolly hair and keratoderma; Arrhythmogenic cardiomyopathy with woolly hair and keratoderma. Identifiers: Orphanet 65282, MedGen C1854063, MONDO:0011581, OMIM 605676.
Arrhythmogenic right ventricular dysplasia 8 (ARVD8). Also called: Arrhythmogenic Right Ventricular Dysplasia/Cardiomyopathy 8; ARRHYTHMOGENIC RIGHT VENTRICULAR DYSPLASIA, FAMILIAL, 8; ARRHYTHMOGENIC RIGHT VENTRICULAR CARDIOMYOPATHY 8. Identifiers: MedGen C1843896, MONDO:0011831, OMIM 607450.
Cardiovascular phenotype. Identifiers: MedGen CN230736.

Allele frequency attached by ClinVar (database versions not stated): gnomAD exomes below 0.00001 and 0.00001; ExAC 0.00001; TOPMed 0.00004; gnomAD 0.00005 and 0.00006; ESP Exome Variant Server 0.00008.

Submissions (3):

Labcorp Genetics (formerly Invitae), Labcorp
Classification: Likely benign for Arrhythmogenic cardiomyopathy with wooly hair and keratoderma; Arrhythmogenic right ventricular dysplasia 8. Last evaluated: 2025-11-16. Review status: criteria provided, single submitter. Criteria: Invitae Variant Classification Sherloc (09022015). Collection method: clinical testing. Allele origin: germline.

All of Us Research Program, National Institutes of Health
Classification: Uncertain significance for Arrhythmogenic cardiomyopathy with wooly hair and keratoderma. Last evaluated: 2023-11-30. Review status: criteria provided, single submitter. Criteria: ACMG Guidelines, 2015. Collection method: clinical testing. Allele origin: germline. Inheritance: Autosomal dominant inheritance. Observed: 1 variant allele, 1 heterozygote.
Comment: This study involves interpretation of variants in research participants for the purpose of population health screening. Participant phenotype was not available at the time of variant classification. Additional details can be found in publication PMID: 35346344, PMCID: PMC8962531

Ambry Genetics
Classification: Uncertain significance for Cardiovascular phenotype. Last evaluated: 2021-03-18. Review status: criteria provided, single submitter. Criteria: Ambry Variant Classification Scheme 2023. Collection method: clinical testing. Allele origin: germline.
Comment: The p.L1598Q variant (also known as c.4793T>A), located in coding exon 23 of the DSP gene, results from a T to A substitution at nucleotide position 4793. The leucine at codon 1598 is replaced by glutamine, an amino acid with dissimilar properties. This amino acid position is well conserved in available vertebrate species. In addition, the in silico prediction for this alteration is inconclusive. Since supporting evidence is limited at this time, the clinical significance of this alteration remains unclear.